The following is an entry in ClinVar:

ClinVar aggregate classification (germline): Uncertain significance. Review status: criteria provided, multiple submitters, no conflicts (2 of 4 stars). 2 submissions from 2 submitters: Uncertain significance (2). Last evaluated 2024-09-17.

Conditions:
Cardiovascular phenotype. Identifiers: MedGen CN230736.
Long QT syndrome (LQTS). Identifiers: MedGen C0023976, MeSH D008133, MONDO:0002442. Disease mechanism: loss of function. Inheritance: Various modes of inheritance.

Allele frequency attached by ClinVar (database versions not stated): TOPMed below 0.00001.
gnomAD v4.1: 14 of 1,509,352 alleles (0.00093%); highest among the groups gnomAD compares: African/African-American, 0.0014%; no homozygotes.

Submissions (2):

Labcorp Genetics (formerly Invitae), Labcorp
Classification: Uncertain significance for Long QT syndrome. Last evaluated: 2024-09-17. Review status: criteria provided, single submitter. Criteria: Invitae Variant Classification Sherloc (09022015). Collection method: clinical testing. Allele origin: germline.
Comment: This sequence change replaces lysine, which is basic and polar, with arginine, which is basic and polar, at codon 103 of the SNTA1 protein (p.Lys103Arg). This variant is not present in population databases (gnomAD no frequency). This variant has not been reported in the literature in individuals affected with SNTA1-related conditions. An algorithm developed to predict the effect of missense changes on protein structure and function (PolyPhen-2) suggests that this variant is likely to be disruptive. In summary, the available evidence is currently insufficient to determine the role of this variant in disease. Therefore, it has been classified as a Variant of Uncertain Significance.

Ambry Genetics
Classification: Uncertain significance for Cardiovascular phenotype. Last evaluated: 2023-09-24. Review status: criteria provided, single submitter. Criteria: Ambry Variant Classification Scheme 2023. Collection method: clinical testing. Allele origin: germline.
Comment: The p.K103R variant (also known as c.308A>G), located in coding exon 1 of the SNTA1 gene, results from an A to G substitution at nucleotide position 308. The lysine at codon 103 is replaced by arginine, an amino acid with highly similar properties. This amino acid position is conserved. In addition, this alteration is predicted to be tolerated by in silico analysis. Since supporting evidence is limited at this time, the clinical significance of this alteration remains unclear.

NM_003098.3(SNTA1):c.308A>G (p.Lys103Arg)

Genes: SNTA1 (syntrophin alpha 1; minus strand), LOC130065679 (ATAC-STARR-seq lymphoblastoid silent region 12811; plus strand). Cytogenetic location: 20q11.21.
Variant type: single nucleotide variant.
Coding change: c.308A>G on transcript NM_003098.3 (MANE Select); coding-DNA position 308, A replaced by G.
Protein change: p.Lys103Arg; replaces lysine 103 with arginine.
Molecular consequence: missense variant.
Genome position (GRCh38, 1-based): chr20:33,443,313, T>C on the plus strand (A>G on the coding strand, the complement: SNTA1 is on the minus strand). VCF-style: chr20-33443313-T-C. GRCh37 (hg19) VCF-style: chr20-32031119-T-C.
Other names: c.308A>G, p.Lys103Arg (NM_001424413.1, NM_001424414.1); short protein forms K103R.
Identifiers: ClinVar variation 3223118 (VCV003223118.3), dbSNP rs1314800177, ClinGen allele CA408633857.
Genomic context (GRCh38, chr20:33,443,313, plus strand): 5'-TGCGCCCTCGGCTGCCCCCAGACACCACGACCCCGCGCCCTCGGTGTCCCGCGCCCACCT[T>C]TGATGCTGATGCCCAGCCCACCGGCGTCGGCCTTGCGCACCGTCACGCGGCGCCGCTGGA-3'
Protein context (NP_003089.1, residues 93-113): ADAGGLGISI[Lys103Arg]GGRENKMPIL